The following is an entry in ClinVar:

NM_000051.4(ATM):c.7961C>G (p.Thr2654Ser)

Genes: ATM (ATM serine/threonine kinase; plus strand), C11orf65 (chromosome 11 open reading frame 65; minus strand). Cytogenetic location: 11q22.3.
Variant type: single nucleotide variant.
Coding change: c.7961C>G on transcript NM_000051.4 (MANE Select); coding-DNA position 7961, C replaced by G.
Protein change: p.Thr2654Ser; replaces threonine 2654 with serine.
Molecular consequence: missense variant. On other transcripts: intron variant (2).
Genome position (GRCh38, 1-based): chr11:108,333,919, C>G. VCF-style: chr11-108333919-C-G. GRCh37 (hg19) VCF-style: chr11-108204646-C-G.
Other names: c.*38+1301G>C (NM_001351110.2); c.7961C>G, p.Thr2654Ser (NM_001351834.2); c.641-24848G>C (NM_001330368.2); short protein forms T2654S.
Identifiers: ClinVar variation 859210 (VCV000859210.23), dbSNP rs786203621, ClinGen allele CA382561715.

ClinVar aggregate classification (germline): Uncertain significance. Review status: criteria provided, multiple submitters, no conflicts (2 of 4 stars). 3 submissions from 3 submitters: Uncertain significance (2). 1 of the submissions does not count toward it. Last evaluated 2026-01-11.

Conditions:
Hereditary cancer-predisposing syndrome. Also called: Tumor predisposition; Neoplastic Syndromes, Hereditary; Hereditary Cancer Syndrome; Hereditary neoplastic syndrome. Identifiers: Orphanet 140162, MedGen C0027672, MeSH D009386, MONDO:0015356.
Ataxia-telangiectasia syndrome (AT). Also called: ATAXIA-TELANGIECTASIA, COMPLEMENTATION GROUP A; ATAXIA-TELANGIECTASIA, FRESNO VARIANT; Ataxia-telangiectasia; Ataxia-telangiectasia, complementation group D; AT, COMPLEMENTATION GROUP C; Ataxia-telangiectasia, complementation group E. Identifiers: Orphanet 100, MedGen C0004135, MONDO:0008840, OMIM 208900.

Submissions (3):

Labcorp Genetics (formerly Invitae), Labcorp
Classification: Uncertain significance for Ataxia-telangiectasia syndrome. Last evaluated: 2026-01-11. Review status: criteria provided, single submitter. Criteria: Invitae Variant Classification Sherloc (09022015). Collection method: clinical testing. Allele origin: germline.
Comment: This sequence change replaces threonine, which is neutral and polar, with serine, which is neutral and polar, at codon 2654 of the ATM protein (p.Thr2654Ser). This variant is not present in population databases (gnomAD no frequency). This variant has not been reported in the literature in individuals affected with ATM-related conditions. ClinVar contains an entry for this variant (Variation ID: 859210). Invitae Evidence Modeling of protein sequence and biophysical properties (such as structural, functional, and spatial information, amino acid conservation, physicochemical variation, residue mobility, and thermodynamic stability) indicates that this missense variant is not expected to disrupt ATM protein function with a negative predictive value of 95%. In summary, the available evidence is currently insufficient to determine the role of this variant in disease. Therefore, it has been classified as a Variant of Uncertain Significance.

Ambry Genetics
Classification: Uncertain significance for Hereditary cancer-predisposing syndrome. Last evaluated: 2022-10-17. Review status: criteria provided, single submitter. Criteria: Ambry Variant Classification Scheme 2023. Collection method: clinical testing. Allele origin: germline.
Comment: The p.T2654S variant (also known as c.7961C>G), located in coding exon 53 of the ATM gene, results from a C to G substitution at nucleotide position 7961. The threonine at codon 2654 is replaced by serine, an amino acid with similar properties. This amino acid position is conserved. In addition, this alteration is predicted to be tolerated by in silico analysis. Since supporting evidence is limited at this time, the clinical significance of this alteration remains unclear.

Natera, Inc.
Classification: Uncertain significance for Ataxia-telangiectasia. Last evaluated: 2021-01-13. Review status: no assertion criteria provided. Collection method: clinical testing. Allele origin: germline. Not counted in ClinVar's aggregate classification.